The following is an entry in ClinVar:

ClinVar aggregate classification (germline): Pathogenic (1 of 4 stars; one submission).

Conditions:
Joubert syndrome. Also called: CEREBELLOPARENCHYMAL DISORDER IV; JOUBERT-BOLTSHAUSER SYNDROME; Familial aplasia of the vermis. Identifiers: Orphanet 475, MedGen C5979921, MONDO:0018772.

Allele frequency attached by ClinVar (database versions not stated): TOPMed below 0.00001.

Submission:

Labcorp Genetics (formerly Invitae), Labcorp
Classification: Pathogenic for Joubert syndrome. Last evaluated: 2023-05-19. Review status: criteria provided, single submitter. Criteria: Invitae Variant Classification Sherloc (09022015). Collection method: clinical testing. Allele origin: germline.
Comment: For these reasons, this variant has been classified as Pathogenic. Algorithms developed to predict the effect of sequence changes on RNA splicing suggest that this variant may disrupt the consensus splice site. This variant has not been reported in the literature in individuals affected with AHI1-related conditions. This variant is not present in population databases (gnomAD no frequency). This sequence change creates a premature translational stop signal (p.Gln593*) in the AHI1 gene. It is expected to result in an absent or disrupted protein product. Loss-of-function variants in AHI1 are known to be pathogenic (PMID: 15322546, 16453322, 28442542, 29186038).

Literature cited by the submitters: PubMed 15322546; PubMed 16453322; PubMed 28442542; PubMed 29186038.

NM_001134831.2(AHI1):c.1777C>T (p.Gln593Ter)

Gene: AHI1 (Abelson helper integration site 1; minus strand). Cytogenetic location: 6q23.3.
Variant type: single nucleotide variant.
Coding change: c.1777C>T on transcript NM_001134831.2 (MANE Select); coding-DNA position 1777, C replaced by T.
Protein change: p.Gln593Ter; replaces glutamine 593 with a stop codon.
Molecular consequence: nonsense.
Genome position (GRCh38, 1-based): chr6:135,447,010, G>A on the plus strand (C>T on the coding strand, the complement: AHI1 is on the minus strand). VCF-style: chr6-135447010-G-A. GRCh37 (hg19) VCF-style: chr6-135768148-G-A.
Other names: c.1777C>T, p.Gln593Ter (NM_001134830.2, NM_001134832.2, NM_001350503.2 and 2 more transcripts); short protein forms Q593*.
Identifiers: ClinVar variation 2851767 (VCV002851767.3), dbSNP rs1480087006, ClinGen allele CA365744711.